The following is an entry in ClinVar:

ClinVar aggregate classification (germline): Likely benign. Review status: criteria provided, multiple submitters, no conflicts (2 of 4 stars). 3 submissions from 3 submitters: Likely benign (3). Last evaluated 2025-09-24.

Conditions:
Hyperphosphatasia with intellectual disability syndrome 5 (GPIBD11). Also called: GLYCOSYLPHOSPHATIDYLINOSITOL BIOSYNTHESIS DEFECT 11. Identifiers: Orphanet 247262, MedGen C4014958, MONDO:0014457, OMIM 616025.

Allele frequency attached by ClinVar (database versions not stated): gnomAD exomes 0.00007; ExAC 0.00008; ESP Exome Variant Server 0.00015.
gnomAD v4.1: 118 of 1,613,846 alleles (0.0073%); highest among the groups gnomAD compares: Middle Eastern, 0.016%; no homozygotes.

Submissions (3):

Labcorp Genetics (formerly Invitae), Labcorp
Classification: Likely benign for Hyperphosphatasia with intellectual disability syndrome 5. Last evaluated: 2025-09-24. Review status: criteria provided, single submitter. Criteria: Invitae Variant Classification Sherloc (09022015). Collection method: clinical testing. Allele origin: germline.

Blueprint Genetics
Classification: Likely benign. Last evaluated: 2024-11-17. Review status: criteria provided, single submitter. Criteria: ACMG Guidelines, 2015. Collection method: clinical testing. Allele origin: germline.

CeGaT Center for Human Genetics Tuebingen
Classification: Likely benign. Last evaluated: 2024-07-01. Review status: criteria provided, single submitter. Criteria: CeGaT Center For Human Genetics Tuebingen Variant Classification Criteria Version 2. Collection method: clinical testing. Allele origin: germline. Affected: yes. Observed: 1 variant allele.
Comment: PIGW: BP4, BP7

NM_001346754.2(PIGW):c.798C>T (p.Leu266=)

Genes: MYO19 (myosin XIX; minus strand), PIGW (phosphatidylinositol glycan anchor biosynthesis class W; plus strand). Cytogenetic location: 17q12.
Variant type: single nucleotide variant.
Coding change: c.798C>T on transcript NM_001346754.2 (MANE Select); coding-DNA position 798, C replaced by T.
Protein change: p.Leu266=; no amino-acid change (leucine 266 retained).
Molecular consequence: synonymous variant.
Genome position (GRCh38, 1-based): chr17:36,537,899, C>T. VCF-style: chr17-36537899-C-T. GRCh37 (hg19) VCF-style: chr17-34893748-C-T.
Other names: c.798C>T, p.Leu266= (NM_001346755.2, NM_178517.5).
Identifiers: ClinVar variation 1564180 (VCV001564180.26), dbSNP rs368650542, ClinGen allele CA290116272.